The following is an entry in ClinVar:

ClinVar aggregate classification (germline): Likely benign. Review status: criteria provided, multiple submitters, no conflicts (2 of 4 stars). 5 submissions from 5 submitters: Likely benign (5). Last evaluated 2025-11-10.

Conditions:
Familial colorectal cancer type X. Identifiers: Orphanet 440437, MedGen C3896578, MONDO:0018604.
Polymerase proofreading-related adenomatous polyposis. Also called: Polymerase proofreading associated polyposis; Polymerase proofreading–associated polyposis (PPAP). Identifiers: Orphanet 447877, MedGen C5202613, MONDO:0018653.
Hereditary cancer-predisposing syndrome. Also called: Tumor predisposition; Neoplastic Syndromes, Hereditary; Hereditary Cancer Syndrome; Hereditary neoplastic syndrome. Identifiers: Orphanet 140162, MedGen C0027672, MeSH D009386, MONDO:0015356.

Allele frequency attached by ClinVar (database versions not stated): gnomAD exomes 0.00001 and 0.00003; ExAC 0.00002; gnomAD 0.00003; TOPMed 0.00003; ESP Exome Variant Server 0.00008.
gnomAD v4.1: 20 of 1,613,674 alleles (0.0012%); highest among the groups gnomAD compares: South Asian, 0.0066%; no homozygotes.

Submissions (5):

Labcorp Genetics (formerly Invitae), Labcorp
Classification: Likely benign. Last evaluated: 2025-11-10. Review status: criteria provided, single submitter. Criteria: Invitae Variant Classification Sherloc (09022015). Collection method: clinical testing. Allele origin: germline.

Center for Genomic Medicine, Rigshospitalet, Copenhagen University Hospital
Classification: Likely benign. Last evaluated: 2025-03-04. Review status: criteria provided, single submitter. Criteria: ACMG Guidelines, 2015. Collection method: clinical testing. Allele origin: germline.

Department of Pathology and Laboratory Medicine, Sinai Health System
Classification: Likely benign for Polymerase proofreading-related adenomatous polyposis; Familial colorectal cancer type X. Last evaluated: 2023-04-03. Review status: criteria provided, single submitter. Criteria: ACMG Guidelines, 2015. Collection method: clinical testing. Allele origin: germline. Affected: yes.

GeneDx
Classification: Likely benign. Last evaluated: 2017-10-17. Review status: criteria provided, single submitter. Criteria: GeneDx Variant Classification (06012015). Collection method: clinical testing. Allele origin: germline. Affected: yes.
Comment: This variant is considered likely benign or benign based on one or more of the following criteria: it is a conservative change, it occurs at a poorly conserved position in the protein, it is predicted to be benign by multiple in silico algorithms, and/or has population frequency not consistent with disease.

Ambry Genetics
Classification: Likely benign for Hereditary cancer-predisposing syndrome. Last evaluated: 2015-07-24. Review status: criteria provided, single submitter. Criteria: Ambry Variant Classification Scheme 2023. Collection method: clinical testing. Allele origin: germline.

NM_006231.4(POLE):c.4125G>A (p.Ala1375=)

Gene: POLE (DNA polymerase epsilon, catalytic subunit; minus strand). Cytogenetic location: 12q24.33.
Variant type: single nucleotide variant.
Coding change: c.4125G>A on transcript NM_006231.4 (MANE Select); coding-DNA position 4125, G replaced by A.
Protein change: p.Ala1375=; no amino-acid change (alanine 1375 retained).
Molecular consequence: synonymous variant.
Genome position (GRCh38, 1-based): chr12:132,648,953, C>T on the plus strand (G>A on the coding strand, the complement: POLE is on the minus strand). VCF-style: chr12-132648953-C-T. GRCh37 (hg19) VCF-style: chr12-133225539-C-T.
Identifiers: ClinVar variation 240503 (VCV000240503.23), dbSNP rs374210113, ClinGen allele CA6892993.
Genomic context (GRCh38, chr12:132,648,953, plus strand): 5'-CAGATGACTGCAGAGGCAGCACCAGCTCCTCCCTACCTTGCGATACGAAGCACCCTCCTC[C>T]GCTTTAGCGACTCGCTGGTTCACGTAGAACACACGGGGGATGCTCAGCCTGATGCAGTGC-3'
Protein context (NP_006222.2, residues 1365-1385): VFYVNQRVAK[Ala1375=]EEGASYRKVN